The following is an entry in ClinVar:

ClinVar aggregate classification (germline): Uncertain significance (1 of 4 stars; one submission).

Conditions:
CHD4-related disorder. Also called: CHD4-related condition.

Submission:

PreventionGenetics, part of Exact Sciences
Classification: Uncertain significance for CHD4-related condition. Last evaluated: 2026-01-14. Review status: criteria provided, single submitter. Criteria: ACMG Guidelines, 2015. Collection method: clinical testing. Allele origin: germline.
Comment: The CHD4 c.4567G>A variant is predicted to result in the amino acid substitution p.Glu1523Lys. To our knowledge, this variant has not been reported in the literature or in a large population database (gnomAD), indicating this variant is rare. At this time, the clinical significance of this variant is uncertain due to the absence of conclusive functional and genetic evidence.

NM_001273.5(CHD4):c.4567G>A (p.Glu1523Lys)

Genes: CHD4 (chromodomain helicase DNA binding protein 4; minus strand), CHD4-AS1 (CHD4 antisense RNA 1; plus strand). Cytogenetic location: 12p13.31.
Variant type: single nucleotide variant.
Coding change: c.4567G>A on transcript NM_001273.5 (MANE Select); coding-DNA position 4567, G replaced by A.
Protein change: p.Glu1523Lys; replaces glutamic acid 1523 with lysine.
Molecular consequence: missense variant.
Genome position (GRCh38, 1-based): chr12:6,581,763, C>T on the plus strand (G>A on the coding strand, the complement: CHD4 is on the minus strand). VCF-style: chr12-6581763-C-T. GRCh37 (hg19) VCF-style: chr12-6690929-C-T.
Other names: c.4546G>A, p.Glu1516Lys (NM_001297553.2); c.4528G>A, p.Glu1510Lys (NM_001363606.2); short protein forms E1510K, E1523K, E1516K.
Identifiers: ClinVar variation 4992992 (VCV004992992.1).